The following is an entry in ClinVar:

NM_058216.3(RAD51C):c.905-3_906del

Gene: RAD51C (RAD51 paralog C; plus strand). Cytogenetic location: 17q22.
Variant type: Deletion.
Coding change: c.905-3_906del on transcript NM_058216.3 (MANE Select); 3 bases into the intron before coding-DNA position 905 through coding-DNA position 906, 5 bases deleted (CAGGG; older notation c.905-3_906delCAGGG).
Molecular consequence: splice acceptor variant.
Genome position (GRCh38, 1-based): chr17:58,724,037-58,724,041, CAGGG deleted. VCF-style (leftmost placement, unchanged base first): chr17-58724036-TCAGGG-T. GRCh37 (hg19) VCF-style: chr17-56801397-TCAGGG-T.
Other names: c.905-3_906del (LRG_314t1, NM_058216.2).
Identifiers: ClinVar variation 182846 (VCV000182846.20), dbSNP rs730881941, ClinGen allele CA299908.

ClinVar aggregate classification (germline): Pathogenic/Likely pathogenic. Review status: criteria provided, multiple submitters, no conflicts (2 of 4 stars). 5 submissions from 5 submitters: Pathogenic (2); Likely pathogenic (3). Last evaluated 2025-04-07.

Conditions:
Breast-ovarian cancer, familial, susceptibility to, 3. Also called: RAD51C-Related Breast/Ovarian Cancer. Identifiers: Orphanet 145, MedGen C3150659, MONDO:0013253, OMIM 613399.
Hereditary cancer-predisposing syndrome. Also called: Tumor predisposition; Hereditary Cancer Syndrome; Hereditary neoplastic syndrome; Neoplastic Syndromes, Hereditary. Identifiers: Orphanet 140162, MedGen C0027672, MeSH D009386, MONDO:0015356.
Fanconi anemia complementation group O. Also called: RAD51C-Related Fanconi Anemia. Identifiers: Orphanet 84, MedGen C3150653, MONDO:0013248, OMIM 613390.

Submissions (5):

Ambry Genetics
Classification: Likely pathogenic for Hereditary cancer-predisposing syndrome. Last evaluated: 2025-04-07. Review status: criteria provided, single submitter. Criteria: Ambry Variant Classification Scheme 2023. Collection method: clinical testing. Allele origin: germline.
Comment: The c.905-3_906delCAGGG variant results from a deletion of 5 nucleotides between positions c.905-3 and c.906 and involves the canonical splice acceptor site before coding exon 7 of the RAD51C gene. This variant has been observed in an individual with breast cancer (Susswein LR et al. Genet Med. 2016:18(8):823-32). This variant is considered to be rare based on population cohorts in the Genome Aggregation Database (gnomAD). The canonical splice acceptor site is highly conserved in available vertebrate species. In silico splice site analysis predicts that this alteration will weaken the native splice acceptor site. In a functional RNA study, this variant was associated with exon 7 skipping (Sanoguera-Miralles L et al. Cancers (Basel), 2022 Jun;14: Ambry internal data). Alterations that disrupt the canonical splice site are expected to cause aberrant splicing, resulting in an abnormal protein or a transcript that is subject to nonsense-mediated mRNA decay. As such, this alteration is classified as likely pathogenic.

Labcorp Genetics (formerly Invitae), Labcorp
Classification: Pathogenic for Fanconi anemia complementation group O. Last evaluated: 2024-09-10. Review status: criteria provided, single submitter. Criteria: Invitae Variant Classification Sherloc (09022015). Collection method: clinical testing. Allele origin: germline.
Comment: This variant results in the deletion of exon 7 (c.905-3_906del) of the RAD51C gene. It is expected to disrupt RNA splicing. Variants that disrupt the donor or acceptor splice site typically lead to a loss of protein function (PMID: 16199547), and loss-of-function variants in RAD51C are known to be pathogenic (PMID: 20400964, 21990120, 24800917, 29278735). This variant is not present in population databases (gnomAD no frequency). This variant has been observed in individual(s) with breast cancer (PMID: 26681312). ClinVar contains an entry for this variant (Variation ID: 182846). For these reasons, this variant has been classified as Pathogenic.

Myriad Genetics, Inc.
Classification: Likely pathogenic for Breast-ovarian cancer, familial, susceptibility to, 3. Last evaluated: 2024-01-03. Review status: criteria provided, single submitter. Criteria: Myriad Autosomal Dominant, Autosomal Recessive and X-Linked Classification Criteria (2023). Collection method: clinical testing. Allele origin: unknown.
Comment: This variant is considered likely pathogenic. This variant occurs within a consensus splice junction and is predicted to result in abnormal mRNA splicing of either an out-of-frame exon or an in-frame exon necessary for protein stability and/or normal function.

GeneDx
Classification: Pathogenic. Last evaluated: 2023-10-23. Review status: criteria provided, single submitter. Criteria: GeneDx Variant Classification Process June 2021. Collection method: clinical testing. Allele origin: germline. Affected: yes.
Comment: Canonical splice site variant demonstrated to result in complete skipping of exon 7 and predicted to result in a null allele in a gene for which loss of function is a known mechanism of disease (PMID: 35740625); Observed in individuals with breast cancer (PMID: 26681312); Not observed at significant frequency in large population cohorts (gnomAD); This variant is associated with the following publications: (PMID: 35740625, 26681312)

Baylor Genetics
Classification: Likely pathogenic for Breast-ovarian cancer, familial, susceptibility to, 3. Last evaluated: 2021-06-29. Review status: criteria provided, single submitter. Criteria: ACMG Guidelines, 2015. Collection method: clinical testing. Allele origin: unknown.

Literature cited by the submitters: PubMed 22725699 (cited by Ambry Genetics); PubMed 26261251 (cited by Ambry Genetics); PubMed 26681312 (cited by Ambry Genetics and Labcorp Genetics (formerly Invitae), Labcorp); PubMed 35740625 (cited by Ambry Genetics); PubMed 16199547 (cited by Labcorp Genetics (formerly Invitae), Labcorp); PubMed 20400964 (cited by Labcorp Genetics (formerly Invitae), Labcorp); PubMed 21990120 (cited by Labcorp Genetics (formerly Invitae), Labcorp); PubMed 24800917 (cited by Labcorp Genetics (formerly Invitae), Labcorp); PubMed 29278735 (cited by Labcorp Genetics (formerly Invitae), Labcorp).